The following is an entry in ClinVar:

NM_138713.4(NFAT5):c.2042A>G (p.Gln681Arg)

Gene: NFAT5 (nuclear factor of activated T cells 5; plus strand). Cytogenetic location: 16q22.1.
Variant type: single nucleotide variant.
Coding change: c.2042A>G on transcript NM_138713.4 (MANE Select); coding-DNA position 2042, A replaced by G.
Protein change: p.Gln681Arg; replaces glutamine 681 with arginine.
Molecular consequence: missense variant.
Genome position (GRCh38, 1-based): chr16:69,691,867, A>G. VCF-style: chr16-69691867-A-G. GRCh37 (hg19) VCF-style: chr16-69725770-A-G.
Other names: c.2039A>G, p.Gln680Arg (NM_001113178.3); c.1367A>G, p.Gln456Arg (NM_001367709.1); c.1988A>G, p.Gln663Arg (NM_006599.4); c.1760A>G, p.Gln587Arg (NM_138714.4, NM_173214.3, NM_173215.3); short protein forms Q456R, Q587R, Q663R, Q680R, Q681R.
Identifiers: ClinVar variation 1051685 (VCV001051685.9), dbSNP rs2151718207, ClinGen allele CA396507097.

ClinVar aggregate classification (germline): Uncertain significance (1 of 4 stars; one submission).

Conditions:
Immunodeficiency. Identifiers: MedGen C0021051, MONDO:0021094, HP:0002721.

Submission:

Labcorp Genetics (formerly Invitae), Labcorp
Classification: Uncertain significance for Immunodeficiency. Last evaluated: 2023-10-03. Review status: criteria provided, single submitter. Criteria: Invitae Variant Classification Sherloc (09022015). Collection method: clinical testing. Allele origin: germline.
Comment: This sequence change replaces glutamine, which is neutral and polar, with arginine, which is basic and polar, at codon 587 of the NFAT5 protein (p.Gln587Arg). This variant is not present in population databases (gnomAD no frequency). This variant has not been reported in the literature in individuals affected with NFAT5-related conditions. ClinVar contains an entry for this variant (Variation ID: 1051685). An algorithm developed to predict the effect of missense changes on protein structure and function (PolyPhen-2) suggests that this variant is likely to be tolerated. In summary, the available evidence is currently insufficient to determine the role of this variant in disease. Therefore, it has been classified as a Variant of Uncertain Significance.